The following is an entry in ClinVar:

ClinVar aggregate classification (germline): Uncertain significance (1 of 4 stars; one submission).

Conditions:
Charcot-Marie-Tooth disease dominant intermediate C (CMTDIC). Also called: CHARCOT-MARIE-TOOTH NEUROPATHY, DOMINANT INTERMEDIATE C. Identifiers: Orphanet 100045, MedGen C1842237, MONDO:0012012, OMIM 608323.

Allele frequency attached by ClinVar (database versions not stated): TOPMed below 0.00001.

Submission:

Labcorp Genetics (formerly Invitae), Labcorp
Classification: Uncertain significance for Charcot-Marie-Tooth disease dominant intermediate C. Last evaluated: 2022-09-28. Review status: criteria provided, single submitter. Criteria: Invitae Variant Classification Sherloc (09022015). Collection method: clinical testing. Allele origin: germline.
Comment: ClinVar contains an entry for this variant (Variation ID: 464872). In summary, the available evidence is currently insufficient to determine the role of this variant in disease. Therefore, it has been classified as a Variant of Uncertain Significance. Algorithms developed to predict the effect of missense changes on protein structure and function are either unavailable or do not agree on the potential impact of this missense change (SIFT: "Not Available"; PolyPhen-2: "Benign"; Align-GVGD: "Not Available"). This variant has not been reported in the literature in individuals affected with YARS-related conditions. This variant is not present in population databases (gnomAD no frequency). This sequence change replaces lysine, which is basic and polar, with glutamine, which is neutral and polar, at codon 380 of the YARS protein (p.Lys380Gln).

NM_003680.4(YARS1):c.1138A>C (p.Lys380Gln)

Gene: YARS1 (tyrosyl-tRNA synthetase 1; minus strand). Cytogenetic location: 1p35.1.
Variant type: single nucleotide variant.
Coding change: c.1138A>C on transcript NM_003680.4 (MANE Select); coding-DNA position 1138, A replaced by C.
Protein change: p.Lys380Gln; replaces lysine 380 with glutamine.
Molecular consequence: missense variant.
Genome position (GRCh38, 1-based): chr1:32,781,050, T>G on the plus strand (A>C on the coding strand, the complement: YARS1 is on the minus strand). VCF-style: chr1-32781050-T-G. GRCh37 (hg19) VCF-style: chr1-33246651-T-G.
Other names: short protein forms K380Q.
Identifiers: ClinVar variation 464872 (VCV000464872.10), dbSNP rs1405248711, ClinGen allele CA339682434.
Genomic context (GRCh38, chr1:32,781,050, plus strand): 5'-GGAAACAGACAAACCTGACCCCAATCTGCCTCTCTGAGATGTGGTGAAAAATGAGTACCT[T>G]CTCCACAGTGATGATTTTCCCCACACGGATATCCAGCCGGGATGGGATGACCTCCTCTGG-3'
Protein context (NP_003671.1, residues 370-390): IRVGKIITVE[Lys380Gln]HPDADSLYVE